The following is an entry in ClinVar:

NM_001369.3(DNAH5):c.4627_4628del (p.Asp1543fs)

Genes: DNAH5 (dynein axonemal heavy chain 5; minus strand), DNAH5-AS1 (DNAH5 antisense RNA 1; plus strand). Cytogenetic location: 5p15.2.
Variant type: Microsatellite.
Coding change: c.4627_4628del on transcript NM_001369.3 (MANE Select); coding-DNA positions 4627 to 4628, 2 bases deleted (GA; older notation c.4627_4628delGA).
Protein change: p.Asp1543fs; shifts the reading frame from aspartic acid 1543.
Molecular consequence: frameshift variant.
Genome position (GRCh38, 1-based): chr5:13,862,716-13,862,717, TC deleted on the plus strand (GA on the coding strand, the reverse complement: DNAH5 is on the minus strand); deleting any 2 consecutive bases within chr5:13,862,716-13,862,724 gives the same sequence; the c. name uses the placement nearest the transcript's 3' end. VCF-style (leftmost placement, unchanged base first): chr5-13862715-GTC-G. GRCh37 (hg19) VCF-style: chr5-13862824-GTC-G.
Other names: short protein forms D1543fs.
Identifiers: ClinVar variation 1444461 (VCV001444461.7), dbSNP rs764262032, ClinGen allele CA2580613523.

ClinVar aggregate classification (germline): Pathogenic. Review status: criteria provided, multiple submitters, no conflicts (2 of 4 stars). 2 submissions from 2 submitters: Pathogenic (2). Last evaluated 2024-01-11.

Conditions:
Primary ciliary dyskinesia. Also called: Ciliary dyskinesia. Identifiers: Orphanet 244, MedGen C0008780, MONDO:0016575, HP:0012265.
Primary ciliary dyskinesia 3. Identifiers: Orphanet 244, MedGen C1837618, MONDO:0012085, OMIM 608644.

Submissions (2):

Myriad Genetics, Inc.
Classification: Pathogenic for Primary ciliary dyskinesia 3. Last evaluated: 2024-01-11. Review status: criteria provided, single submitter. Criteria: Myriad Autosomal Dominant, Autosomal Recessive and X-Linked Classification Criteria (2023). Collection method: clinical testing. Allele origin: unknown.
Comment: NM_001369.2(DNAH5):c.4627_4628delGA(D1543Hfs*2) is expected to be pathogenic in the context of primary ciliary dyskinesia, DNAH5-related. This variant is predicted to lead to an abnormal or absent protein product due to the creation of a premature termination codon in DNAH5, a gene where loss-of-function variants are known to be pathogenic. Please note: this variant was assessed in the context of healthy population screening.

Labcorp Genetics (formerly Invitae), Labcorp
Classification: Pathogenic for Primary ciliary dyskinesia. Last evaluated: 2021-09-25. Review status: criteria provided, single submitter. Criteria: Invitae Variant Classification Sherloc (09022015). Collection method: clinical testing. Allele origin: germline.
Comment: For these reasons, this variant has been classified as Pathogenic. This variant has not been reported in the literature in individuals affected with DNAH5-related conditions. This variant is not present in population databases (ExAC no frequency). This sequence change creates a premature translational stop signal (p.Asp1543Hisfs*2) in the DNAH5 gene. It is expected to result in an absent or disrupted protein product. Loss-of-function variants in DNAH5 are known to be pathogenic (PMID: 11788826, 16627867).

Literature cited by the submitters: PubMed 11788826 (cited by Labcorp Genetics (formerly Invitae), Labcorp); PubMed 16627867 (cited by Labcorp Genetics (formerly Invitae), Labcorp).